The following is an entry in ClinVar:

NM_138713.4(NFAT5):c.1832T>A (p.Met611Lys)

Gene: NFAT5 (nuclear factor of activated T cells 5; plus strand). Cytogenetic location: 16q22.1.
Variant type: single nucleotide variant.
Coding change: c.1832T>A on transcript NM_138713.4 (MANE Select); coding-DNA position 1832, T replaced by A.
Protein change: p.Met611Lys; replaces methionine 611 with lysine.
Molecular consequence: missense variant.
Genome position (GRCh38, 1-based): chr16:69,690,997, T>A. VCF-style: chr16-69690997-T-A. GRCh37 (hg19) VCF-style: chr16-69724900-T-A.
Other names: c.1829T>A, p.Met610Lys (NM_001113178.3); c.1157T>A, p.Met386Lys (NM_001367709.1); c.1778T>A, p.Met593Lys (NM_006599.4); c.1550T>A, p.Met517Lys (NM_138714.4, NM_173214.3, NM_173215.3); c.1832T>A, p.Met611Lys (LRG_1332t1); c.1832T>A (NM_138713.3); short protein forms M611K, M517K, M386K, M593K, M610K.
Identifiers: ClinVar variation 582653 (VCV000582653.12), dbSNP rs374998786, ClinGen allele CA8135668.

ClinVar aggregate classification (germline): Uncertain significance. Review status: criteria provided, multiple submitters, no conflicts (2 of 4 stars). 2 submissions from 2 submitters: Uncertain significance (2). Last evaluated 2025-11-08.

Conditions:
Immunodeficiency. Identifiers: MedGen C0021051, MONDO:0021094, HP:0002721.

Allele frequency attached by ClinVar (database versions not stated): TOPMed 0.00006; ExAC 0.00007; gnomAD exomes 0.00007 and 0.00011; ESP Exome Variant Server 0.00008; gnomAD 0.00008 and 0.00009.

Submissions (2):

Labcorp Genetics (formerly Invitae), Labcorp
Classification: Uncertain significance for Immunodeficiency. Last evaluated: 2025-11-08. Review status: criteria provided, single submitter. Criteria: Invitae Variant Classification Sherloc (09022015). Collection method: clinical testing. Allele origin: germline.
Comment: This sequence change replaces methionine, which is neutral and non-polar, with lysine, which is basic and polar, at codon 517 of the NFAT5 protein (p.Met517Lys). This variant is present in population databases (rs374998786, gnomAD 0.01%). This variant has not been reported in the literature in individuals affected with NFAT5-related conditions. ClinVar contains an entry for this variant (Variation ID: 582653). An algorithm developed to predict the effect of missense changes on protein structure and function (PolyPhen-2) suggests that this variant is likely to be tolerated. In summary, the available evidence is currently insufficient to determine the role of this variant in disease. Therefore, it has been classified as a Variant of Uncertain Significance.

Ambry Genetics
Classification: Uncertain significance. Last evaluated: 2025-07-14. Review status: criteria provided, single submitter. Criteria: Ambry Variant Classification Scheme 2023. Collection method: clinical testing. Allele origin: germline.